The following is an entry in ClinVar:

ClinVar aggregate classification (germline): Pathogenic/Likely pathogenic. Review status: criteria provided, multiple submitters, no conflicts (2 of 4 stars). 3 submissions from 3 submitters: Pathogenic (2); Likely pathogenic (1). Last evaluated 2022-12-29.

Conditions:
Sotos syndrome (SOTOS). Also called: CEREBRAL GIGANTISM; CHROMOSOME 5q35 DELETION SYNDROME; SOTOS SYNDROME 1; Sotos' syndrome; Distinctive facial appearance, overgrowth in childhood, and learning disabilities or delayed development. Identifiers: Orphanet 821, MedGen C0175695, MONDO:0019349, OMIM 117550.

Submissions (3):

Labcorp Genetics (formerly Invitae), Labcorp
Classification: Pathogenic. Last evaluated: 2022-12-29. Review status: criteria provided, single submitter. Criteria: Invitae Variant Classification Sherloc (09022015). Collection method: clinical testing. Allele origin: germline.
Comment: This variant disrupts a region of the NSD1 protein in which other variant(s) (p.Glu2564*) have been determined to be pathogenic (Invitae). This suggests that this is a clinically significant region of the protein, and that variants that disrupt it are likely to be disease-causing. For these reasons, this variant has been classified as Pathogenic. Algorithms developed to predict the effect of sequence changes on RNA splicing suggest that this variant may disrupt the consensus splice site. ClinVar contains an entry for this variant (Variation ID: 802187). This variant has not been reported in the literature in individuals affected with NSD1-related conditions. This variant is not present in population databases (gnomAD no frequency). This sequence change creates a premature translational stop signal (p.Gln2185*) in the NSD1 gene. While this is not anticipated to result in nonsense mediated decay, it is expected to disrupt the last 512 amino acid(s) of the NSD1 protein.

Mendelics
Classification: Pathogenic for Sotos syndrome. Last evaluated: 2019-05-28. Review status: criteria provided, single submitter. Criteria: Mendelics Assertion Criteria 2017. Collection method: clinical testing. Allele origin: unknown.

Juno Genomics, Hangzhou Juno Genomics, Inc
Classification: Likely pathogenic for Sotos syndrome. Review status: criteria provided, single submitter. Criteria: ACMG Guidelines, 2015. Collection method: clinical testing. Allele origin: germline. Affected: yes.
Comment: Absent from controls (or at extremely low frequency if recessive) in Genome Aggregation Database, Exome Sequencing Project, 1000 Genomes Project, or Exome Aggregation Consortium.;Null variant in a gene where loss of function (LOF) is a known mechanism of disease.;Assumed de novo, but without confirmation of paternity and maternity.

NM_022455.5(NSD1):c.6553C>T (p.Gln2185Ter)

Gene: NSD1 (nuclear receptor binding SET domain protein 1; plus strand). Cytogenetic location: 5q35.3.
Variant type: single nucleotide variant.
Coding change: c.6553C>T on transcript NM_022455.5 (MANE Select); coding-DNA position 6553, C replaced by T.
Protein change: p.Gln2185Ter; replaces glutamine 2185 with a stop codon.
Molecular consequence: nonsense.
Genome position (GRCh38, 1-based): chr5:177,293,921, C>T. VCF-style: chr5-177293921-C-T. GRCh37 (hg19) VCF-style: chr5-176720922-C-T.
Other names: c.5680C>T, p.Gln1894Ter (NM_001365684.2, NM_001409308.1, NM_172349.5); c.6553C>T, p.Gln2185Ter (NM_001409301.1, NM_001409302.1, NM_001409303.1); c.6133C>T, p.Gln2045Ter (NM_001409304.1); c.5800C>T, p.Gln1934Ter (NM_001409305.1); c.5791C>T, p.Gln1931Ter (NM_001409306.1, NM_001409307.1); c.5431C>T, p.Gln1811Ter (NM_001409309.1); short protein forms Q2185*, Q1916*, Q1931*, Q2045*, Q1934*, Q1811*, Q1894*.
Identifiers: ClinVar variation 802187 (VCV000802187.6), dbSNP rs1581563059, ClinGen allele CA362323921.